The following is an entry in ClinVar:

NM_000367.5(TPMT):c.420-4G>A

Gene: TPMT (thiopurine S-methyltransferase; minus strand). Cytogenetic location: 6p22.3.
Variant type: single nucleotide variant.
Coding change: c.420-4G>A on transcript NM_000367.5 (MANE Select); 4 bases into the intron before coding-DNA position 420, G replaced by A.
Molecular consequence: intron variant.
Genome position (GRCh38, 1-based): chr6:18,139,041, C>T on the plus strand (G>A on the coding strand, the complement: TPMT is on the minus strand). VCF-style: chr6-18139041-C-T. GRCh37 (hg19) VCF-style: chr6-18139272-C-T.
Other names: c.420-4G>A (NM_001346818.1, NM_001346817.1, NM_000367.4).
Identifiers: ClinVar variation 143913 (VCV000143913.7), dbSNP rs56019966, ClinGen allele CA214779.
Genomic context (GRCh38, chr6:18,139,041, plus strand): 5'-TTGATGGCAACTAATGCTCCTCTATCCCAAATCATGTCAAATTTGCCAATATTTGTCCTA[C>T]CAGAAAGAGAAAAAACATTTTATGGGAGAAAAATCAAATCTTTAAGAAGATGAGCAGCGT-3'

ClinVar aggregate classification (germline): Likely benign. Review status: criteria provided, single submitter (1 of 4 stars). 3 submissions from 3 submitters: Likely benign (1). 2 of the submissions do not count toward it. Last evaluated 2024-11-08.

Conditions:
TPMT-related disorder. Also called: TPMT-related condition.
Azathioprine response. Also called: Imuran response; Azasan response. Identifiers: MedGen CN077959.

Allele frequency attached by ClinVar (database versions not stated): 1000 Genomes Project 0.00060; 1000 Genomes Project 30x 0.00062; TOPMed 0.00127; gnomAD exomes 0.00129; gnomAD 0.00137 and 0.00140; ExAC 0.00147; ESP Exome Variant Server 0.00200.
gnomAD v4.1: 3,401 of 1,613,054 alleles (0.21%); highest among the groups gnomAD compares: Non-Finnish European, 0.26%; 10 homozygotes.

Submissions (3):

Blueprint Genetics
Classification: Likely benign. Last evaluated: 2024-11-08. Review status: criteria provided, single submitter. Criteria: ACMG Guidelines, 2015. Collection method: clinical testing. Allele origin: germline.

PreventionGenetics, part of Exact Sciences
Classification: Likely benign for TPMT-related condition. Last evaluated: 2019-10-22. Review status: no assertion criteria provided. Collection method: clinical testing. Allele origin: germline. Not counted in ClinVar's aggregate classification.
Comment: This variant is classified as likely benign based on ACMG/AMP sequence variant interpretation guidelines (Richards et al. 2015 PMID: 25741868, with internal and published modifications).

Neurology IV Unit; Fondazione Istituto Neurologico C. Besta
Classification: drug response for Azathioprine intolerance. Last evaluated: 2010-12-21. Review status: no assertion criteria provided. Collection method: research. Allele origin: germline. Inheritance: Autosomal dominant inheritance. Affected: yes. Observed: 2 variant alleles, 2 heterozygotes. Not counted in ClinVar's aggregate classification.
Comment: The variant is clinically significant because of its association with azathioprine intolerance and a moderate TPMT activity, evidenced by reduced activity of TPMT tested on red blood cells by ELISA.

Literature cited by the submitters: PubMed 23400745 (cited by Neurology IV Unit; Fondazione Istituto Neurologico C. Besta).